The following is an entry in ClinVar:

ClinVar aggregate classification (germline): Conflicting classifications of pathogenicity. Review status: criteria provided, conflicting classifications (1 of 4 stars). 4 submissions from 4 submitters: Uncertain significance (3); Likely benign (1). Last evaluated 2025-08-08.

Conditions:
Hereditary cancer-predisposing syndrome. Also called: Hereditary neoplastic syndrome; Neoplastic Syndromes, Hereditary; Tumor predisposition; Hereditary Cancer Syndrome. Identifiers: Orphanet 140162, MedGen C0027672, MeSH D009386, MONDO:0015356.
Hereditary breast ovarian cancer syndrome. Also called: Hereditary breast and ovarian cancer syndrome (HBOC); BRCA1- and BRCA2-Associated Hereditary Breast and Ovarian Cancer; Hereditary breast and ovarian cancer syndrome; Breast and ovarian cancer; Hereditary breast and ovarian cancer; Hereditary breast and/or ovarian cancer syndrome. Identifiers: Orphanet 145, MedGen C0677776, MeSH D061325, MONDO:0003582. Disease mechanism: loss of function.

Submissions (4):

Quest Diagnostics Nichols Institute San Juan Capistrano
Classification: Uncertain significance. Last evaluated: 2025-08-08. Review status: criteria provided, single submitter. Criteria: Quest Diagnostics criteria. Collection method: clinical testing. Allele origin: unknown.
Comment: The BRCA2 c.3885A>C (p.Gln1295His) variant has been reported in the published literature in an individual with breast cancer (PMID: 33471991 (2021), see also LOVD), and described to be located in a region of the BRCA2 gene that is tolerant to missense sequence changes (PMID: 31911673 (2020)). This variant has not been reported in large, multi-ethnic general populations (Genome Aggregation Database). Analysis of this variant using bioinformatics tools for the prediction of the effect of amino acid changes on protein structure and function yielded conflicting predictions that this variant is benign or damaging. Based on the available information, we are unable to determine the clinical significance of this variant.

Ambry Genetics
Classification: Uncertain significance for Hereditary cancer-predisposing syndrome. Last evaluated: 2024-09-16. Review status: criteria provided, single submitter. Criteria: Ambry Variant Classification Scheme 2023. Collection method: clinical testing. Allele origin: germline.
Comment: The p.Q1295H variant (also known as c.3885A>C), located in coding exon 10 of the BRCA2 gene, results from an A to C substitution at nucleotide position 3885. The glutamine at codon 1295 is replaced by histidine, an amino acid with highly similar properties. This amino acid position is well conserved in available vertebrate species. In addition, this alteration is predicted to be tolerated by in silico analysis. Based on the available evidence, the clinical significance of this variant remains unclear.

University of Washington Department of Laboratory Medicine, University of Washington
Classification: Likely benign for Hereditary cancer-predisposing syndrome. Last evaluated: 2023-03-23. Review status: criteria provided, single submitter. Criteria: Dines et al. (Genet Med. 2020). Collection method: curation. Allele origin: germline.
Comment: Missense variant in a coldspot region where missense variants are very unlikely to be pathogenic (PMID:31911673).

BRCA2 exon 11 coldspot. Reclassification based on statistical prior probability.

Labcorp Genetics (formerly Invitae), Labcorp
Classification: Uncertain significance for Hereditary breast ovarian cancer syndrome. Last evaluated: 2017-12-25. Review status: criteria provided, single submitter. Criteria: Invitae Variant Classification Sherloc (09022015). Collection method: clinical testing. Allele origin: germline.
Comment: In summary, the available evidence is currently insufficient to determine the role of this variant in disease. Therefore, it has been classified as a Variant of Uncertain Significance. Algorithms developed to predict the effect of missense changes on protein structure and function do not agree on the potential impact of this missense change (SIFT: "Tolerated"; PolyPhen-2: "Probably Damaging"; Align-GVGD: "Class C0"). This variant has not been reported in the literature in individuals with BRCA2-related disease. This variant is not present in population databases (ExAC no frequency). This sequence change replaces glutamine with histidine at codon 1295 of the BRCA2 protein (p.Gln1295His). The glutamine residue is moderately conserved and there is a small physicochemical difference between glutamine and histidine.

Literature cited by the submitters: PubMed 33471991 (cited by Quest Diagnostics Nichols Institute San Juan Capistrano); PubMed 31911673 (cited by Quest Diagnostics Nichols Institute San Juan Capistrano).

NM_000059.4(BRCA2):c.3885A>C (p.Gln1295His)

Gene: BRCA2 (BRCA2 DNA repair associated; plus strand). Cytogenetic location: 13q13.1.
Variant type: single nucleotide variant.
Coding change: c.3885A>C on transcript NM_000059.4 (MANE Select); coding-DNA position 3885, A replaced by C.
Protein change: p.Gln1295His; replaces glutamine 1295 with histidine.
Molecular consequence: missense variant.
Genome position (GRCh38, 1-based): chr13:32,338,240, A>C. VCF-style: chr13-32338240-A-C. GRCh37 (hg19) VCF-style: chr13-32912377-A-C.
Other names: short protein forms Q1295H.
Identifiers: ClinVar variation 531341 (VCV000531341.12), dbSNP rs876659864, ClinGen allele CA387778752.